The following is an entry in ClinVar:

NM_002432.3(MNDA):c.1138A>G (p.Lys380Glu)

Gene: MNDA (myeloid cell nuclear differentiation antigen; plus strand). Cytogenetic location: 1q23.1.
Variant type: single nucleotide variant.
Coding change: c.1138A>G on transcript NM_002432.3 (MANE Select); coding-DNA position 1138, A replaced by G.
Protein change: p.Lys380Glu; replaces lysine 380 with glutamic acid.
Molecular consequence: missense variant.
Genome position (GRCh38, 1-based): chr1:158,847,878, A>G. VCF-style: chr1-158847878-A-G. GRCh37 (hg19) VCF-style: chr1-158817668-A-G.
Other names: short protein forms K380E.
Identifiers: ClinVar variation 3222170 (VCV003222170.1), dbSNP rs1384849749, ClinGen allele CA343044827.

ClinVar aggregate classification (germline): Uncertain significance (1 of 4 stars; one submission).

Submission:

Ambry Genetics
Classification: Uncertain significance. Last evaluated: 2023-12-29. Review status: criteria provided, single submitter. Criteria: Ambry Variant Classification Scheme 2023. Collection method: clinical testing. Allele origin: germline.
Comment: The p.K380E variant (also known as c.1138A>G), located in coding exon 5 of the MNDA gene, results from an A to G substitution at nucleotide position 1138. The lysine at codon 380 is replaced by glutamic acid, an amino acid with similar properties. This amino acid position is conserved. In addition, this alteration is predicted to be tolerated by in silico analysis. Since supporting evidence is limited at this time, the clinical significance of this alteration remains unclear.